The following is an entry in ClinVar:

ClinVar aggregate classification (germline): Pathogenic (1 of 4 stars; one submission).

Conditions:
Familial adenomatous polyposis 1 (FAP1). Also called: POLYPOSIS, ADENOMATOUS INTESTINAL; FAMILIAL ADENOMATOUS POLYPOSIS 1, ATTENUATED. Identifiers: MedGen C2713442, MONDO:0021056, OMIM 175100. Disease mechanism: loss of function.

Submission:

Labcorp Genetics (formerly Invitae), Labcorp
Classification: Pathogenic for Familial adenomatous polyposis 1. Last evaluated: 2019-05-08. Review status: criteria provided, single submitter. Criteria: Invitae Variant Classification Sherloc (09022015). Collection method: clinical testing. Allele origin: unknown.
Comment: This variant is expected to disrupt the EB1 and HDLG binding sites, which mediate interactions with the cytoskeleton (PMID:¬†15311282,¬†17293347). While functional studies have not been performed to directly test the effect on APC protein function, this suggests that disruption of the C-terminal portion of the protein is functionally important. A different truncation (p.Tyr2645Lysfs*14) that lies downstream of this variant has been determined to be pathogenic (PMID:¬†9824584,¬†1316610,¬†27081525,¬†8381579,¬†22135120, Invitae). This suggests that deletion of this region of the APC protein is causative of disease. For these reasons, this variant has been classified as Pathogenic. Similar deletions of exon 16 have been observed in individuals affected with clinical features of familial adenomatous polyposis (PMID: 15689459, 17568392). Exon 16 has also been reported as exon 15 in the literature. This variant is a gross deletion of the genomic region encompassing part of exon 16 of the APC gene. The 5' end of this event occurs in exon 16 (c.2639) of the APC gene. The 3' end of this event extends through the termination codon beyond the assayed region for this gene. While this deletion is not anticipated to result in nonsense mediated decay, it is expected to create a truncated protein product or disrupt mRNA translation.

Literature cited by the submitters: PubMed 15689459; PubMed 17568392.

NC_000005.9:g.(?_112173930)_(112310702_?)del

Genes: SRP19 (signal recognition particle 19; plus strand), APC (APC regulator of Wnt signaling pathway; plus strand), REEP5 (receptor accessory protein 5; minus strand). Cytogenetic location: 5q22.2.
Variant type: Deletion.
Identifiers: ClinVar variation 3246383 (VCV003246383.1).